The following is an entry in ClinVar:

NM_000551.4(VHL):c.80A>C (p.Glu27Ala)

Gene: VHL (von Hippel-Lindau tumor suppressor; plus strand). Cytogenetic location: 3p25.3.
Variant type: single nucleotide variant.
Coding change: c.80A>C on transcript NM_000551.4 (MANE Select); coding-DNA position 80, A replaced by C.
Protein change: p.Glu27Ala; replaces glutamic acid 27 with alanine.
Molecular consequence: missense variant. On other transcripts: non-coding transcript variant (1).
Genome position (GRCh38, 1-based): chr3:10,141,927, A>C. VCF-style: chr3-10141927-A-C. GRCh37 (hg19) VCF-style: chr3-10183611-A-C.
Other names: c.80A>C, p.Glu27Ala (NM_001354723.2, NM_198156.3); short protein forms E27A.
Identifiers: ClinVar variation 3069691 (VCV003069691.5), dbSNP rs2125124617, ClinGen allele CA351747474.

ClinVar aggregate classification (germline): Uncertain significance. Review status: criteria provided, multiple submitters, no conflicts (2 of 4 stars). 4 submissions from 4 submitters: Uncertain significance (4). Last evaluated 2024-08-08.

Conditions:
Von Hippel-Lindau syndrome (VHLS). Also called: von Hippel–Lindau syndrome; VHL syndrome; Von Hippel-Lindau. Identifiers: Orphanet 892, MedGen C0019562, MONDO:0008667, OMIM 193300. Disease mechanism: loss of function.
Chuvash polycythemia. Also called: POLYCYTHEMIA, VHL-DEPENDENT. Identifiers: Orphanet 238557, MedGen C1837915, MONDO:0009892, OMIM 263400.
Nonpapillary renal cell carcinoma. Identifiers: Orphanet 422526, MedGen CN074294, MONDO:0007763, OMIM 144700.
Pheochromocytoma. Also called: MAX-Related Hereditary Paraganglioma-Pheochromocytoma Syndrome. Identifiers: Orphanet 29072, MedGen C0031511, MONDO:0008233, OMIM 171300, HP:0002666.

Submissions (4):

Labcorp Genetics (formerly Invitae), Labcorp
Classification: Uncertain significance for Von Hippel-Lindau syndrome; Chuvash polycythemia. Last evaluated: 2024-08-08. Review status: criteria provided, single submitter. Criteria: Invitae Variant Classification Sherloc (09022015). Collection method: clinical testing. Allele origin: germline.
Comment: This sequence change replaces glutamic acid, which is acidic and polar, with alanine, which is neutral and non-polar, at codon 27 of the VHL protein (p.Glu27Ala). This variant is not present in population databases (gnomAD no frequency). This variant has not been reported in the literature in individuals affected with VHL-related conditions. Advanced modeling of protein sequence and biophysical properties (such as structural, functional, and spatial information, amino acid conservation, physicochemical variation, residue mobility, and thermodynamic stability) performed at Invitae indicates that this missense variant is not expected to disrupt VHL protein function with a negative predictive value of 95%. In summary, the available evidence is currently insufficient to determine the role of this variant in disease. Therefore, it has been classified as a Variant of Uncertain Significance.

Fulgent Genetics
Classification: Uncertain significance for Nonpapillary renal cell carcinoma; Pheochromocytoma; Von Hippel-Lindau syndrome; Chuvash polycythemia. Last evaluated: 2024-04-15. Review status: criteria provided, single submitter. Criteria: ACMG Guidelines, 2015. Collection method: clinical testing. Allele origin: germline.

Baylor Genetics
Classification: Uncertain significance for Chuvash polycythemia. Last evaluated: 2024-03-05. Review status: criteria provided, single submitter. Criteria: ACMG Guidelines, 2015. Collection method: clinical testing. Allele origin: unknown.

All of Us Research Program, National Institutes of Health
Classification: Uncertain significance for Von Hippel-Lindau syndrome. Last evaluated: 2023-02-24. Review status: criteria provided, single submitter. Criteria: ACMG Guidelines, 2015. Collection method: clinical testing. Allele origin: germline. Inheritance: Autosomal dominant inheritance. Observed: 1 variant allele, 1 heterozygote.
Comment: This missense variant replaces glutamic acid with alanine at codon 27 of the VHL protein. Computational prediction suggests that this variant may not impact protein structure and function (internally defined REVEL score threshold <= 0.5, PMID: 27666373). To our knowledge, functional studies have not been reported for this variant. This variant has not been reported in individuals affected with VHL-related disorders in the literature. This variant has not been identified in the general population by the Genome Aggregation Database (gnomAD). The available evidence is insufficient to determine the role of this variant in disease conclusively. Therefore, this variant is classified as a Variant of Uncertain Significance.

This study involves interpretation of variants in research participants for the purpose of population health screening. Participant phenotype was not available at the time of variant classification. Additional details can be found in publication PMID: 35346344, PMCID: PMC8962531